The following is an entry in ClinVar:

ClinVar aggregate classification (germline): Uncertain significance (1 of 4 stars; one submission).

Submission:

GeneDx
Classification: Uncertain significance. Last evaluated: 2024-09-30. Review status: criteria provided, single submitter. Criteria: GeneDx Variant Classification Process June 2021. Collection method: clinical testing. Allele origin: germline. Affected: yes.
Comment: Not observed at significant frequency in large population cohorts (gnomAD); In silico analysis supports that this missense variant has a deleterious effect on protein structure/function; Has not been previously published as pathogenic or benign to our knowledge

NM_014112.5(TRPS1):c.1621T>C (p.Cys541Arg)

Gene: TRPS1 (transcriptional repressor GATA binding 1; minus strand). Cytogenetic location: 8q23.3.
Variant type: single nucleotide variant.
Coding change: c.1621T>C on transcript NM_014112.5 (MANE Select); coding-DNA position 1621, T replaced by C.
Protein change: p.Cys541Arg; replaces cysteine 541 with arginine.
Molecular consequence: missense variant.
Genome position (GRCh38, 1-based): chr8:115,604,348, A>G on the plus strand (T>C on the coding strand, the complement: TRPS1 is on the minus strand). VCF-style: chr8-115604348-A-G. GRCh37 (hg19) VCF-style: chr8-116616575-A-G.
Other names: c.1594T>C, p.Cys532Arg (NM_001282902.3); c.1600T>C, p.Cys534Arg (NM_001282903.3); c.1582T>C, p.Cys528Arg (NM_001330599.2); short protein forms C528R, C532R, C534R, C541R.
Identifiers: ClinVar variation 3774852 (VCV003774852.1).